The following is an entry in ClinVar:

NM_014698.3(TMEM63A):c.2066G>A (p.Arg689His)

Gene: TMEM63A (transmembrane protein 63A; minus strand). Cytogenetic location: 1q42.12.
Variant type: single nucleotide variant.
Coding change: c.2066G>A on transcript NM_014698.3 (MANE Select); coding-DNA position 2066, G replaced by A.
Protein change: p.Arg689His; replaces arginine 689 with histidine.
Molecular consequence: missense variant.
Genome position (GRCh38, 1-based): chr1:225,849,917, C>T on the plus strand (G>A on the coding strand, the complement: TMEM63A is on the minus strand). VCF-style: chr1-225849917-C-T. GRCh37 (hg19) VCF-style: chr1-226037618-C-T.
Other names: short protein forms R689H.
Identifiers: ClinVar variation 3900602 (VCV003900602.1).

ClinVar aggregate classification (germline): Likely pathogenic (1 of 4 stars; one submission).

Conditions:
Leukodystrophy, hypomyelinating, 19, transient infantile. Identifiers: MedGen C5231463, MONDO:0032871, OMIM 618688.

gnomAD v4.1: 10 of 1,613,664 alleles (0.00062%); highest among the groups gnomAD compares: Non-Finnish European, 0.00085%; no homozygotes.

Submission:

Pediatric Department, Peking University First Hospital
Classification: Likely pathogenic for Leukodystrophy, hypomyelinating, 19, transient infantile. Last evaluated: 2025-02-19. Review status: criteria provided, single submitter. Criteria: ACMG Guidelines, 2015. Collection method: research. Allele origin: de novo. Affected: yes.
Comment: The NM_014698.3:c.2066G>A, is a missense variant in TMEM63A which was predicted to be de novo with no family history, confirming by Next-Generation Sequencing and Sanger sequencing (PS2). The variant is absent in controls according to gnomAD, Exome, 1000 Genomes and ExAC (PM2). The variant was predicted to be damaging by multiple silico tools, including VariantTaster, SIFT, Polyphen-2 and M-Cap, and the CADD score was 32 (PP3). In summary, the variant was classified as likely pathogenic for HLD19 based on the ACMG criteria applied: PS2, PM2, PP3.